The following is an entry in ClinVar:

ClinVar aggregate classification (germline): Likely benign. Review status: criteria provided, single submitter (1 of 4 stars). 2 submissions from 2 submitters: Likely benign (1). 1 of the submissions does not count toward it. Last evaluated 2019-12-31.

Conditions:
SERPINA3-related disorder. Also called: SERPINA3-related condition.

Allele frequency attached by ClinVar (database versions not stated): gnomAD exomes 0.00015 and 0.00040; gnomAD 0.00161 and 0.00173; ESP Exome Variant Server 0.00154; 1000 Genomes Project 30x 0.00172; ExAC 0.00044; 1000 Genomes Project 0.00120; TOPMed 0.00177.
gnomAD v4.1: 478 of 1,614,118 alleles (0.03%); highest among the groups gnomAD compares: African/African-American, 0.55%; no homozygotes.

Submissions (3):

Labcorp Genetics (formerly Invitae), Labcorp
Classification: Likely benign. Last evaluated: 2019-12-31. Review status: criteria provided, single submitter. Criteria: Invitae Variant Classification Sherloc (09022015). Collection method: clinical testing. Allele origin: germline.

PreventionGenetics, part of Exact Sciences
Classification: Likely benign for SERPINA3-related condition. Last evaluated: 2020-11-12. Review status: no assertion criteria provided. Collection method: clinical testing. Allele origin: germline. Not counted in ClinVar's aggregate classification.
Comment: This variant is classified as likely benign based on ACMG/AMP sequence variant interpretation guidelines (Richards et al. 2015 PMID: 25741868, with internal and published modifications).

Dr. Peter K. Rogan Lab, Western University
No classification provided (evidence only). Condition: Hepatocellular carcinoma. Review status: no classification provided. Collection method: in vitro. Allele origin: not applicable. Functional consequence: retained intron. Not counted in ClinVar's aggregate classification.

NM_001085.5(SERPINA3):c.710A>G (p.Lys237Arg)

Gene: SERPINA3 (serpin family A member 3; plus strand). Cytogenetic location: 14q32.13.
Variant type: single nucleotide variant.
Coding change: c.710A>G on transcript NM_001085.5 (MANE Select); coding-DNA position 710, A replaced by G.
Protein change: p.Lys237Arg; replaces lysine 237 with arginine.
Molecular consequence: missense variant.
Genome position (GRCh38, 1-based): chr14:94,619,261, A>G. VCF-style: chr14-94619261-A-G. GRCh37 (hg19) VCF-style: chr14-95085598-A-G.
Other names: NC_000014.8:g.95085598A>G; short protein forms K237R.
Identifiers: ClinVar variation 708583 (VCV000708583.7), dbSNP rs76970295, ClinGen allele CA7329869.